The following is an entry in ClinVar:

ClinVar aggregate classification (germline): Uncertain significance (1 of 4 stars; one submission).

gnomAD v4.1: 1 of 1,587,534 alleles (0.000063%); highest among the groups gnomAD compares: South Asian, 0.0012%; no homozygotes.

Submission:

GeneDx
Classification: Uncertain significance. Last evaluated: 2025-05-20. Review status: criteria provided, single submitter. Criteria: GeneDx Variant Classification Process June 2021. Collection method: clinical testing. Allele origin: germline. Affected: yes.
Comment: Not observed at significant frequency in large population cohorts (gnomAD); In silico analysis supports that this missense variant has a deleterious effect on protein structure/function; Has not been previously published as pathogenic or benign to our knowledge

NM_001037333.3(CYFIP2):c.623A>G (p.Gln208Arg)

Gene: CYFIP2 (cytoplasmic FMR1 interacting protein 2; plus strand). Cytogenetic location: 5q33.3.
Variant type: single nucleotide variant.
Coding change: c.623A>G on transcript NM_001037333.3 (MANE Select); coding-DNA position 623, A replaced by G.
Protein change: p.Gln208Arg; replaces glutamine 208 with arginine.
Molecular consequence: missense variant.
Genome position (GRCh38, 1-based): chr5:157,302,847, A>G. VCF-style: chr5-157302847-A-G. GRCh37 (hg19) VCF-style: chr5-156729855-A-G.
Other names: c.545A>G, p.Gln182Arg (NM_001291721.2); c.623A>G, p.Gln208Arg (NM_001291722.2, NM_014376.4); short protein forms Q182R, Q208R.
Identifiers: ClinVar variation 4531065 (VCV004531065.1).